The following is an entry in ClinVar:

NM_000143.4(FH):c.956A>T (p.Asp319Val)

Gene: FH (fumarate hydratase; minus strand). Cytogenetic location: 1q43.
Variant type: single nucleotide variant.
Coding change: c.956A>T on transcript NM_000143.4 (MANE Select); coding-DNA position 956, A replaced by T.
Protein change: p.Asp319Val; replaces aspartic acid 319 with valine.
Molecular consequence: missense variant.
Genome position (GRCh38, 1-based): chr1:241,504,194, T>A on the plus strand (A>T on the coding strand, the complement: FH is on the minus strand). VCF-style: chr1-241504194-T-A. GRCh37 (hg19) VCF-style: chr1-241667494-T-A.
Other names: short protein forms D319V.
Identifiers: ClinVar variation 1767407 (VCV001767407.5), dbSNP rs1659855240, ClinGen allele CA345438335.

ClinVar aggregate classification (germline): Conflicting classifications of pathogenicity. Review status: criteria provided, conflicting classifications (1 of 4 stars). 2 submissions from 2 submitters: Likely pathogenic (1); Uncertain significance (1). Last evaluated 2023-10-26.

Conditions:
Hereditary cancer-predisposing syndrome. Also called: Hereditary Cancer Syndrome; Hereditary neoplastic syndrome; Neoplastic Syndromes, Hereditary; Tumor predisposition. Identifiers: Orphanet 140162, MedGen C0027672, MeSH D009386, MONDO:0015356.

Submissions (2):

Ambry Genetics
Classification: Likely pathogenic for Hereditary cancer-predisposing syndrome. Last evaluated: 2023-10-26. Review status: criteria provided, single submitter. Criteria: Ambry Variant Classification Scheme 2023. Collection method: clinical testing. Allele origin: germline.
Comment: The p.D319V variant (also known as c.956A>T), located in coding exon 7 of the FH gene, results from an A to T substitution at nucleotide position 956. The aspartic acid at codon 319 is replaced by valine, an amino acid with highly dissimilar properties. This alteration has been observed in at least one individual with a personal and/or family history that is consistent with FH-related disease (Ambry internal data). Two other alterations at the same codon, p.D319Y (c.955G>T) and p.D319N (c.955G>A), have been detected in patients with HLRCC (Ambry internal data; Muller M et al. Clin Genet, 2017 Dec;92:606-615). This amino acid position is highly conserved in available vertebrate species. In addition, this alteration is predicted to be deleterious by in silico analysis. Based on the majority of available evidence to date, this variant is likely to be pathogenic.

Labcorp Genetics (formerly Invitae), Labcorp
Classification: Uncertain significance. Last evaluated: 2023-09-17. Review status: criteria provided, single submitter. Criteria: Invitae Variant Classification Sherloc (09022015). Collection method: clinical testing. Allele origin: germline.
Comment: This sequence change replaces aspartic acid, which is acidic and polar, with valine, which is neutral and non-polar, at codon 319 of the FH protein (p.Asp319Val). This variant is not present in population databases (gnomAD no frequency). This variant has not been reported in the literature in individuals affected with FH-related conditions. ClinVar contains an entry for this variant (Variation ID: 1767407). Advanced modeling of protein sequence and biophysical properties (such as structural, functional, and spatial information, amino acid conservation, physicochemical variation, residue mobility, and thermodynamic stability) performed at Invitae indicates that this missense variant is expected to disrupt FH protein function. In summary, the available evidence is currently insufficient to determine the role of this variant in disease. Therefore, it has been classified as a Variant of Uncertain Significance.

Literature cited by the submitters: PubMed 28300276 (cited by Ambry Genetics).